The following is an entry in ClinVar:

ClinVar aggregate classification (germline): Uncertain significance. Review status: criteria provided, multiple submitters, no conflicts (2 of 4 stars). 2 submissions from 2 submitters: Uncertain significance (2). Last evaluated 2026-06-24.

Conditions:
Inborn genetic diseases. Identifiers: MedGen C0950123, MeSH D030342.

Submissions (2):

Ambry Genetics
Classification: Uncertain significance for Inborn genetic diseases. Last evaluated: 2026-06-24. Review status: criteria provided, single submitter. Criteria: Ambry Variant Classification Scheme 2023. Collection method: clinical testing. Allele origin: germline.
Comment: The p.I1448L variant (also known as c.4342A>C), located in coding exon 1 of the SAMD9L gene, results from an A to C substitution at nucleotide position 4342. The isoleucine at codon 1448 is replaced by leucine, an amino acid with highly similar properties. This amino acid position is conserved. In addition, this alteration is predicted to be tolerated by in silico analysis. Based on the available evidence, the clinical significance of this variant remains unclear.

GeneDx
Classification: Uncertain significance. Last evaluated: 2026-01-29. Review status: criteria provided, single submitter. Criteria: GeneDx Variant Classification Process June 2021. Collection method: clinical testing. Allele origin: germline.
Comment: Not observed at significant frequency in large population cohorts (gnomAD); In silico analysis suggests that this missense variant does not alter protein structure/function; Has not been previously published as pathogenic or benign to our knowledge

NM_152703.5(SAMD9L):c.4342A>C (p.Ile1448Leu)

Gene: SAMD9L (sterile alpha motif domain containing 9 like; minus strand). Cytogenetic location: 7q21.2.
Variant type: single nucleotide variant.
Coding change: c.4342A>C on transcript NM_152703.5 (MANE Select); coding-DNA position 4342, A replaced by C.
Protein change: p.Ile1448Leu; replaces isoleucine 1448 with leucine.
Molecular consequence: missense variant.
Genome position (GRCh38, 1-based): chr7:93,131,630, T>G on the plus strand (A>C on the coding strand, the complement: SAMD9L is on the minus strand). VCF-style: chr7-93131630-T-G. GRCh37 (hg19) VCF-style: chr7-92760943-T-G.
Other names: c.4342A>C, p.Ile1448Leu (NM_001303496.3, NM_001303497.3, NM_001303498.3 and 5 more transcripts); c.4342A>C (NM_152703.2); short protein forms I1448L.
Identifiers: ClinVar variation 4975888 (VCV004975888.2).